The following is an entry in ClinVar:

ClinVar aggregate classification (germline): Likely benign. Review status: reviewed by expert panel (3 of 4 stars). 3 submissions from 3 submitters: Likely benign (1). 2 of the submissions do not count toward it. Last evaluated 2025-02-18.

Conditions:
Glanzmann thrombasthenia. Also called: THROMBASTHENIA OF GLANZMANN AND NAEGELI; Glanzmann's thrombasthenia; PLATELET GLYCOPROTEIN IIb-IIIa DEFICIENCY; Thrombasthenia. Identifiers: Orphanet 849, MedGen C0040015, MONDO:0100326.

Allele frequency attached by ClinVar (database versions not stated): ExAC below 0.00001; gnomAD 0.00002; TOPMed 0.00002; gnomAD exomes 0.00003.
gnomAD v4.1: 35 of 1,553,920 alleles (0.0023%); highest among the groups gnomAD compares: Admixed American, 0.0038%; no homozygotes.

Submissions (3):

ClinGen Platelet Disorders Variant Curation Expert Panel, ClinGen
Classification: Likely benign for Glanzmann thrombasthenia. Last evaluated: 2025-02-18. Review status: reviewed by expert panel. Criteria: ClinGen Platelet ACMG Specifications v2-1. Collection method: curation. Allele origin: germline. Inheritance: Autosomal recessive inheritance.
Comment: The intronic variant NM_000419.5(ITGA2B):c.574+10A>G has not been reported in the literature. It has previously been submitted to ClinVar (SCV000403390.2 and SCV001006746.1) however the affected status of the individuals is not reported. The highest population minor allele frequency in gnomAD v4.0.0 is 0.00003843 (2/52046alleles) in the Admixed American population, which is lower than the ClinGen PD VCEP threshold (<0.0001; PM2_Supporting). It is not predicted to have an impact on splicing and is not highly conserved (BP4, BP7). In summary, the c.574+10A>G variant is classified as likely benign based on GT-specific criteria applied: PM2_supporting, BP4, BP7.

Labcorp Genetics (formerly Invitae), Labcorp
Classification: Likely benign for Glanzmann thrombasthenia. Last evaluated: 2025-10-21. Review status: criteria provided, single submitter. Criteria: Invitae Variant Classification Sherloc (09022015). Collection method: clinical testing. Allele origin: germline. Not counted in ClinVar's aggregate classification.

Blueprint Genetics
Classification: Likely benign. Last evaluated: 2024-10-22. Review status: criteria provided, single submitter. Criteria: ACMG Guidelines, 2015. Collection method: clinical testing. Allele origin: germline. Not counted in ClinVar's aggregate classification.

NM_000419.5(ITGA2B):c.574+10A>G

Gene: ITGA2B (integrin subunit alpha 2b; minus strand). Cytogenetic location: 17q21.31.
Variant type: single nucleotide variant.
Coding change: c.574+10A>G on transcript NM_000419.5 (MANE Select); 10 bases into the intron after coding-DNA position 574, A replaced by G.
Molecular consequence: intron variant.
Genome position (GRCh38, 1-based): chr17:44,385,541, T>C on the plus strand (A>G on the coding strand, the complement: ITGA2B is on the minus strand). VCF-style: chr17-44385541-T-C. GRCh37 (hg19) VCF-style: chr17-42462909-T-C.
Other names: c.574+10A>G (LRG_479t1).
Identifiers: ClinVar variation 323569 (VCV000323569.13), dbSNP rs771984157, ClinGen allele CA8603436.